The following is an entry in ClinVar:

NM_000245.4(MET):c.3413A>G (p.Asn1138Ser)

Gene: MET (MET proto-oncogene, receptor tyrosine kinase; plus strand). Cytogenetic location: 7q31.2.
Variant type: single nucleotide variant.
Coding change: c.3413A>G on transcript NM_000245.4 (MANE Select); coding-DNA position 3413, A replaced by G.
Protein change: p.Asn1138Ser; replaces asparagine 1138 with serine.
Molecular consequence: missense variant.
Genome position (GRCh38, 1-based): chr7:116,778,848, A>G. VCF-style: chr7-116778848-A-G. GRCh37 (hg19) VCF-style: chr7-116418902-A-G.
Other names: c.3467A>G, p.Asn1156Ser (NM_001127500.3); c.2123A>G, p.Asn708Ser (NM_001324402.2); short protein forms N1138S, N708S, N1156S.
Identifiers: ClinVar variation 4648411 (VCV004648411.2).

ClinVar aggregate classification (germline): Uncertain significance (1 of 4 stars; one submission).

Conditions:
Hereditary cancer-predisposing syndrome. Also called: Neoplastic Syndromes, Hereditary; Tumor predisposition; Hereditary Cancer Syndrome; Hereditary neoplastic syndrome. Identifiers: Orphanet 140162, MedGen C0027672, MeSH D009386, MONDO:0015356.

Submission:

Ambry Genetics
Classification: Uncertain significance for Hereditary cancer-predisposing syndrome. Last evaluated: 2025-12-30. Review status: criteria provided, single submitter. Criteria: Ambry Variant Classification Scheme 2023. Collection method: clinical testing. Allele origin: germline.
Comment: The p.N1156S variant (also known as c.3467A>G), located in coding exon 16 of the MET gene, results from an A to G substitution at nucleotide position 3467. The asparagine at codon 1156 is replaced by serine, an amino acid with highly similar properties. This amino acid position is conserved. In addition, the in silico prediction for this alteration is inconclusive. Based on the available evidence, the clinical significance of this variant remains unclear.